The following is an entry in ClinVar:

ClinVar aggregate classification (germline): Pathogenic (1 of 4 stars; one submission).

Conditions:
BAP1-related tumor predisposition syndrome (TPDS1). Also called: Tumor susceptibility linked to germline BAP1 mutations; BAP1 tumor predisposition syndrome; TUMOR PREDISPOSITION SYNDROME 1; COMMON Syndrome. Identifiers: Orphanet 289539, MedGen C3280492, MONDO:0013692, OMIM 614327.

Submission:

Labcorp Genetics (formerly Invitae), Labcorp
Classification: Pathogenic for BAP1-related tumor predisposition syndrome. Last evaluated: 2021-05-28. Review status: criteria provided, single submitter. Criteria: Invitae Variant Classification Sherloc (09022015). Collection method: clinical testing. Allele origin: germline.
Comment: For these reasons, this variant has been classified as Pathogenic. This variant has not been reported in the literature in individuals with BAP1-related conditions. This variant is not present in population databases (ExAC no frequency). This sequence change creates a premature translational stop signal (p.Gly554Valfs*17) in the BAP1 gene. It is expected to result in an absent or disrupted protein product. Loss-of-function variants in BAP1 are known to be pathogenic (PMID: 21874000, 23684012).

Literature cited by the submitters: PubMed 21874000; PubMed 23684012.

NM_004656.4(BAP1):c.1661del (p.Gly554fs)

Gene: BAP1 (BRCA1 associated deubiquitinase 1; minus strand). Cytogenetic location: 3p21.1.
Variant type: Deletion.
Coding change: c.1661del on transcript NM_004656.4 (MANE Select); coding-DNA position 1661, one base deleted (G; older notation c.1661delG).
Protein change: p.Gly554fs; shifts the reading frame from glycine 554.
Molecular consequence: frameshift variant.
Genome position (GRCh38, 1-based): chr3:52,403,484, C deleted on the plus strand (G on the coding strand, the reverse complement: BAP1 is on the minus strand); the first of 3 consecutive C bases (chr3:52,403,484-52,403,486); deleting any one gives the same sequence. VCF-style (leftmost placement, unchanged base first): chr3-52403483-AC-A. GRCh37 (hg19) VCF-style: chr3-52437499-AC-A.
Other names: short protein forms G554fs.
Identifiers: ClinVar variation 1422258 (VCV001422258.6), dbSNP rs2153226608, ClinGen allele CA645529902.